The following is an entry in ClinVar:

NM_030973.4(MED25):c.1952T>G (p.Leu651Arg)

Gene: MED25 (mediator complex subunit 25; plus strand). Cytogenetic location: 19q13.33.
Variant type: single nucleotide variant.
Coding change: c.1952T>G on transcript NM_030973.4 (MANE Select); coding-DNA position 1952, T replaced by G.
Protein change: p.Leu651Arg; replaces leucine 651 with arginine.
Molecular consequence: missense variant.
Genome position (GRCh38, 1-based): chr19:49,835,932, T>G. VCF-style: chr19-49835932-T-G. GRCh37 (hg19) VCF-style: chr19-50339189-T-G.
Other names: c.1952T>G, p.Leu651Arg (NM_001378355.1); short protein forms L651R.
Identifiers: ClinVar variation 241614 (VCV000241614.7), dbSNP rs878855132, ClinGen allele CA10583811.

ClinVar aggregate classification (germline): Uncertain significance (1 of 4 stars; one submission).

Conditions:
Charcot-Marie-Tooth disease type 2. Also called: Charcot-Marie-Tooth type 2. Identifiers: Orphanet 64746, MedGen C0270914, MONDO:0018993.

Allele frequency attached by ClinVar (database versions not stated): gnomAD exomes below 0.00001.

Submission:

Labcorp Genetics (formerly Invitae), Labcorp
Classification: Uncertain significance for Charcot-Marie-Tooth disease type 2. Last evaluated: 2017-11-15. Review status: criteria provided, single submitter. Criteria: Invitae Variant Classification Sherloc (09022015). Collection method: clinical testing. Allele origin: germline.
Comment: This sequence change replaces leucine with arginine at codon 651 of the MED25 protein (p.Leu651Arg). The leucine residue is highly conserved and there is a moderate physicochemical difference between leucine and arginine. This variant is not present in population databases (ExAC no frequency). This variant has not been reported in the literature in individuals with MED25-related disease. ClinVar contains an entry for this variant (Variation ID: 241614). Algorithms developed to predict the effect of missense changes on protein structure and function do not agree on the potential impact of this missense change (SIFT: "Deleterious"; PolyPhen-2: "Possibly Damaging"; Align-GVGD: "Class C0"). In summary, the available evidence is currently insufficient to determine the role of this variant in disease. Therefore, it has been classified as a Variant of Uncertain Significance.